The following is an entry in ClinVar:

ClinVar aggregate classification (germline): Uncertain significance (1 of 4 stars; one submission).

Submission:

Ambry Genetics
Classification: Uncertain significance. Last evaluated: 2025-08-20. Review status: criteria provided, single submitter. Criteria: Ambry Variant Classification Scheme 2023. Collection method: clinical testing. Allele origin: germline.
Comment: The p.V1095F variant (also known as c.3283G>T), located in coding exon 27 of the A2ML1 gene, results from a G to T substitution at nucleotide position 3283. The valine at codon 1095 is replaced by phenylalanine, an amino acid with highly similar properties. This amino acid position is conserved. In addition, this alteration is predicted to be tolerated by in silico analysis. Based on the available evidence, the clinical significance of this variant remains unclear.

NM_144670.6(A2ML1):c.3283G>T (p.Val1095Phe)

Gene: A2ML1 (alpha-2-macroglobulin like 1; plus strand). Cytogenetic location: 12p13.31.
Variant type: single nucleotide variant.
Coding change: c.3283G>T on transcript NM_144670.6 (MANE Select); coding-DNA position 3283, G replaced by T.
Protein change: p.Val1095Phe; replaces valine 1095 with phenylalanine.
Molecular consequence: missense variant.
Genome position (GRCh38, 1-based): chr12:8,860,899, G>T. VCF-style: chr12-8860899-G-T. GRCh37 (hg19) VCF-style: chr12-9013495-G-T.
Other names: c.1810G>T, p.Val604Phe (NM_001282424.3); short protein forms V604F, V1095F.
Identifiers: ClinVar variation 4262488 (VCV004262488.1).